The following is an entry in ClinVar:

ClinVar aggregate classification (germline): Likely pathogenic (1 of 4 stars; one submission).

Conditions:
Myopathy caused by variation in FKTN. Identifiers: MedGen CN305638, MONDO:0700067.

Allele frequency attached by ClinVar (database versions not stated): gnomAD exomes below 0.00001.

Submission:

Myriad Genetics, Inc.
Classification: Likely pathogenic for Myopathy caused by variation in FKTN. Last evaluated: 2022-01-06. Review status: criteria provided, single submitter. Criteria: Myriad Autosomal Dominant, Autosomal Recessive and X-Linked Classification Criteria (2023). Collection method: clinical testing. Allele origin: unknown.
Comment: NM_001079802.1(FKTN):c.840dupA(L281Tfs*35) is expected to be pathogenic in the context of FKTN-related disorders. This variant is predicted to lead to an abnormal or absent protein product due to the creation of a premature termination codon in FKTN, a gene where loss-of-function variants are known to be pathogenic. Please note: this variant was assessed in the context of healthy population screening.

NM_001079802.2(FKTN):c.840dup (p.Leu281fs)

Gene: FKTN (fukutin; plus strand). Cytogenetic location: 9q31.2.
Variant type: Duplication.
Coding change: c.840dup on transcript NM_001079802.2 (MANE Select); coding-DNA position 840, one base duplicated (A; older notation c.840dupA).
Protein change: p.Leu281fs; shifts the reading frame from leucine 281.
Molecular consequence: frameshift variant. On other transcripts: non-coding transcript variant (1).
Genome position (GRCh38, 1-based): chr9:105,615,337, A duplicated. VCF-style (leftmost placement, unchanged base first): chr9-105615336-T-TA. GRCh37 (hg19) VCF-style: chr9-108377617-T-TA.
Other names: c.840dup, p.Leu281fs (NM_001351496.2, NM_001351498.2, NM_006731.2 and 1 more transcripts); c.771dup, p.Leu258fs (NM_001351497.2); c.444dup, p.Leu149fs (NM_001351499.2, NM_001351500.2, NM_001351501.2 and 1 more transcripts); short protein forms L149fs, L258fs, L281fs.
Identifiers: ClinVar variation 1726984 (VCV001726984.3), dbSNP rs2539657265, ClinGen allele CA2580079304.